The following is an entry in ClinVar:

ClinVar aggregate classification (germline): Uncertain significance (1 of 4 stars; one submission).

Allele frequency attached by ClinVar (database versions not stated): TOPMed below 0.00001; ExAC 0.00001; gnomAD 0.00001; gnomAD exomes 0.00001; 1000 Genomes Project 30x 0.00016; 1000 Genomes Project 0.00020.
gnomAD v4.1: 6 of 1,613,752 alleles (0.00037%); highest among the groups gnomAD compares: East Asian, 0.013%; no homozygotes.

Submission:

GeneDx
Classification: Uncertain significance. Last evaluated: 2018-05-17. Review status: criteria provided, single submitter. Criteria: GeneDx Variant Classification (06012015). Collection method: clinical testing. Allele origin: germline. Affected: yes.
Comment: The R137C variant has not been published as a pathogenic variant, nor has it been reported as a benign variant to our knowledge. The R137C variant is not observed at a significant frequency in large population cohorts (Lek et al., 2016). The R137C variant is a non-conservative amino acid substitution, which is likely to impact secondary protein structure as these residues differ in polarity, charge, size and/or other properties. In-silico analyses, including protein predictors and evolutionary conservation, support a deleterious effect. Based on the currently available information, it is unclear whether this variant is a pathogenic variant or a rare benign variant.

NM_138395.4(MARS2):c.409C>T (p.Arg137Cys)

Gene: MARS2 (methionyl-tRNA synthetase 2, mitochondrial; plus strand). Cytogenetic location: 2q33.1.
Variant type: single nucleotide variant.
Coding change: c.409C>T on transcript NM_138395.4 (MANE Select); coding-DNA position 409, C replaced by T.
Protein change: p.Arg137Cys; replaces arginine 137 with cysteine.
Molecular consequence: missense variant.
Genome position (GRCh38, 1-based): chr2:197,705,814, C>T. VCF-style: chr2-197705814-C-T. GRCh37 (hg19) VCF-style: chr2-198570538-C-T.
Other names: short protein forms R137C.
Identifiers: ClinVar variation 546310 (VCV000546310.2), dbSNP rs138469286, ClinGen allele CA2044570.